The following is an entry in ClinVar:

ClinVar aggregate classification (germline): Uncertain significance. Review status: criteria provided, multiple submitters, no conflicts (2 of 4 stars). 2 submissions from 2 submitters: Uncertain significance (2). Last evaluated 2025-06-24.

Conditions:
Hereditary cancer-predisposing syndrome. Also called: Tumor predisposition; Hereditary neoplastic syndrome; Neoplastic Syndromes, Hereditary; Hereditary Cancer Syndrome. Identifiers: Orphanet 140162, MedGen C0027672, MeSH D009386, MONDO:0015356.
Global developmental delay - lung cysts - overgrowth - Wilms tumor syndrome. Also called: GLOBAL DEVELOPMENTAL DELAY, LUNG CYSTS, OVERGROWTH, AND WILMS TUMOR; GLOW Syndrome. Identifiers: Orphanet 404476, MedGen C4748924, MONDO:0018445, OMIM 618272.

Submissions (2):

Ambry Genetics
Classification: Uncertain significance for Hereditary cancer-predisposing syndrome. Last evaluated: 2025-06-24. Review status: criteria provided, single submitter. Criteria: Ambry Variant Classification Scheme 2023. Collection method: clinical testing. Allele origin: germline.
Comment: The p.R745Q variant (also known as c.2234G>A), located in coding exon 13 of the DICER1 gene, results from a G to A substitution at nucleotide position 2234. The arginine at codon 745 is replaced by glutamine, an amino acid with highly similar properties. This amino acid position is highly conserved in available vertebrate species. In addition, the in silico prediction for this alteration is inconclusive. Based on the available evidence, the clinical significance of this variant remains unclear.

Baylor Genetics
Classification: Uncertain significance for Global developmental delay - lung cysts - overgrowth - Wilms tumor syndrome. Last evaluated: 2023-07-25. Review status: criteria provided, single submitter. Criteria: ACMG Guidelines, 2015. Collection method: clinical testing. Allele origin: unknown.

NM_177438.3(DICER1):c.2234G>A (p.Arg745Gln)

Gene: DICER1 (dicer 1, ribonuclease III; minus strand). Cytogenetic location: 14q32.13.
Variant type: single nucleotide variant.
Coding change: c.2234G>A on transcript NM_177438.3 (MANE Select); coding-DNA position 2234, G replaced by A.
Protein change: p.Arg745Gln; replaces arginine 745 with glutamine.
Molecular consequence: missense variant. On other transcripts: non-coding transcript variant (6).
Genome position (GRCh38, 1-based): chr14:95,111,339, C>T on the plus strand (G>A on the coding strand, the complement: DICER1 is on the minus strand). VCF-style: chr14-95111339-C-T. GRCh37 (hg19) VCF-style: chr14-95577676-C-T.
Other names: c.2234G>A, p.Arg745Gln (NM_001195573.1, NM_001271282.3, NM_001291628.2 and 13 more transcripts); c.1952G>A, p.Arg651Gln (NM_001395686.1); c.1829G>A, p.Arg610Gln (NM_001395687.1, NM_001395688.1, NM_001395689.1 and 3 more transcripts); c.1667G>A, p.Arg556Gln (NM_001395691.1); c.551G>A, p.Arg184Gln (NM_001395697.1); short protein forms R184Q, R556Q, R610Q, R651Q, R745Q.
Identifiers: ClinVar variation 2674814 (VCV002674814.2), dbSNP rs2140067090, ClinGen allele CA390882520.